The following is an entry in ClinVar:

NM_001942.4(DSG1):c.613G>T (p.Asp205Tyr)

Gene: DSG1 (desmoglein 1; plus strand). Cytogenetic location: 18q12.1.
Variant type: single nucleotide variant.
Coding change: c.613G>T on transcript NM_001942.4 (MANE Select); coding-DNA position 613, G replaced by T.
Protein change: p.Asp205Tyr; replaces aspartic acid 205 with tyrosine.
Molecular consequence: missense variant.
Genome position (GRCh38, 1-based): chr18:31,331,796, G>T. VCF-style: chr18-31331796-G-T. GRCh37 (hg19) VCF-style: chr18-28911759-G-T.
Other names: short protein forms D205Y.
Identifiers: ClinVar variation 2893991 (VCV002893991.3), dbSNP rs1359951464, ClinGen allele CA402129344.

ClinVar aggregate classification (germline): Uncertain significance (1 of 4 stars; one submission).

Allele frequency attached by ClinVar (database versions not stated): TOPMed below 0.00001.

Submission:

Labcorp Genetics (formerly Invitae), Labcorp
Classification: Uncertain significance. Last evaluated: 2025-02-24. Review status: criteria provided, single submitter. Criteria: Invitae Variant Classification Sherloc (09022015). Collection method: clinical testing. Allele origin: germline.
Comment: This sequence change replaces aspartic acid, which is acidic and polar, with tyrosine, which is neutral and polar, at codon 205 of the DSG1 protein (p.Asp205Tyr). This variant is not present in population databases (gnomAD no frequency). This variant has not been reported in the literature in individuals affected with DSG1-related conditions. ClinVar contains an entry for this variant (Variation ID: 2893991). Invitae Evidence Modeling of protein sequence and biophysical properties (such as structural, functional, and spatial information, amino acid conservation, physicochemical variation, residue mobility, and thermodynamic stability) indicates that this missense variant is not expected to disrupt DSG1 protein function with a negative predictive value of 80%. In summary, the available evidence is currently insufficient to determine the role of this variant in disease. Therefore, it has been classified as a Variant of Uncertain Significance.